The following is an entry in ClinVar:

ClinVar aggregate classification (germline): Benign. Review status: criteria provided, multiple submitters, no conflicts (2 of 4 stars). 2 submissions from 2 submitters: Benign (2). Last evaluated 2021-07-30.

Conditions:
Epiphyseal dysplasia, multiple, 6. Also called: COL9A1-Related Multiple Epiphyseal Dysplasia. Identifiers: MedGen C2675767, MONDO:0013591, OMIM 614135.

Allele frequency attached by ClinVar (database versions not stated): gnomAD exomes 0.06658 and 0.06823; 1000 Genomes Project 0.06749; 1000 Genomes Project 30x 0.06949; ExAC 0.06951; gnomAD 0.07013 and 0.07064; ESP Exome Variant Server 0.07515; TOPMed 0.07741.
gnomAD v4.1: 107,466 of 1,598,954 alleles (6.7%); highest among the groups gnomAD compares: Middle Eastern, 13%; 3,916 homozygotes.

Submissions (2):

Genome-Nilou Lab
Classification: Benign for Epiphyseal dysplasia, multiple, 6. Last evaluated: 2021-07-30. Review status: criteria provided, single submitter. Criteria: ACMG Guidelines, 2015. Collection method: clinical testing. Allele origin: germline. Affected: no.

GeneDx
Classification: Benign. Last evaluated: 2018-06-14. Review status: criteria provided, single submitter. Criteria: GeneDx Variant Classification (06012015). Collection method: clinical testing. Allele origin: germline. Affected: yes.
Comment: This variant is considered likely benign or benign based on one or more of the following criteria: it is a conservative change, it occurs at a poorly conserved position in the protein, it is predicted to be benign by multiple in silico algorithms, and/or has population frequency not consistent with disease.

NM_001851.6(COL9A1):c.877-23C>G

Gene: COL9A1 (collagen type IX alpha 1 chain; minus strand). Cytogenetic location: 6q13.
Variant type: single nucleotide variant.
Coding change: c.877-23C>G on transcript NM_001851.6 (MANE Select); 23 bases into the intron before coding-DNA position 877, C replaced by G.
Molecular consequence: intron variant.
Genome position (GRCh38, 1-based): chr6:70,281,062, G>C on the plus strand (C>G on the coding strand, the complement: COL9A1 is on the minus strand). VCF-style: chr6-70281062-G-C. GRCh37 (hg19) VCF-style: chr6-70990765-G-C.
Other names: c.148-23C>G (NM_001377290.1, NM_078485.4, NM_001377289.1); c.877-23C>G (NM_001377291.1).
Identifiers: ClinVar variation 677878 (VCV000677878.4), dbSNP rs6928611, ClinGen allele CA3882606.